The following is an entry in ClinVar:

NM_001139.3(ALOX12B):c.1192C>T (p.His398Tyr)

Gene: ALOX12B (arachidonate 12-lipoxygenase, 12R type; minus strand). Cytogenetic location: 17p13.1.
Variant type: single nucleotide variant.
Coding change: c.1192C>T on transcript NM_001139.3 (MANE Select); coding-DNA position 1192, C replaced by T.
Protein change: p.His398Tyr; replaces histidine 398 with tyrosine.
Molecular consequence: missense variant.
Genome position (GRCh38, 1-based): chr17:8,077,073, G>A on the plus strand (C>T on the coding strand, the complement: ALOX12B is on the minus strand). VCF-style: chr17-8077073-G-A. GRCh37 (hg19) VCF-style: chr17-7980391-G-A.
Other names: short protein forms H398Y.
Identifiers: ClinVar variation 995741 (VCV000995741.8), dbSNP rs752176414, ClinGen allele CA8367373.

ClinVar aggregate classification (germline): Pathogenic/Likely pathogenic. Review status: criteria provided, multiple submitters, no conflicts (2 of 4 stars). 5 submissions from 5 submitters: Pathogenic (1); Likely pathogenic (3). 1 of the submissions does not count toward it. Last evaluated 2025-10-09.

Conditions:
ALOX12B-related disorder. Also called: ALOX12B-related condition.
Autosomal recessive congenital ichthyosis 2 (ARCI2). Identifiers: Orphanet 281122, Orphanet 79394, MedGen C3888093, MONDO:0009439, OMIM 242100.
Lamellar ichthyosis. Identifiers: Orphanet 313, MedGen C5848247, MONDO:0017778.

Allele frequency attached by ClinVar (database versions not stated): gnomAD exomes below 0.00001; ExAC 0.00001; gnomAD 0.00001; TOPMed 0.00002.

Submissions (5):

Dasa
Classification: Likely pathogenic. Last evaluated: 2025-10-09. Review status: criteria provided, single submitter. Criteria: DASA Assertion Criteria. Collection method: clinical testing. Allele origin: germline.
Comment: NM_001139.3(ALOX12B):c.1192C>T (p.His398Tyr) is a missense variant that results in the substitution of histidine with tyrosine. The affected residue or protein region has prior evidence supporting clinical relevance. This variant has been recurrently observed in individuals with ALOX12B-related disorders (PMID: 38791074; PMID: 33255364; PMID: 26762237; PMID: 33435499; PMID: 34908195). Also, this variant is rare in population databases. Computational evidence supports a deleterious effect. Based on the currently available evidence, this variant is classified as likely pathogenic.

Centre of Medical Genetics, University Hospital Muenster
Classification: Likely pathogenic. Last evaluated: 2024-09-24. Review status: criteria provided, single submitter. Criteria: ACMG Guidelines, 2015. Collection method: clinical testing. Allele origin: unknown. Affected: yes. Observed: 1 variant allele, 1 homozygote.
Comment: ACMG categories: PS4,PM1,PM2,PM3,PP3

Blueprint Genetics
Classification: Pathogenic for ALOX12B-related disorders. Last evaluated: 2024-08-09. Review status: criteria provided, single submitter. Criteria: ACMG Guidelines, 2015. Collection method: clinical testing. Allele origin: germline. Affected: yes. Observed: 2 variant alleles.

Women's Health and Genetics/Laboratory Corporation of America, LabCorp
Classification: Likely pathogenic for Lamellar ichthyosis. Last evaluated: 2024-07-15. Review status: criteria provided, single submitter. Criteria: LabCorp Variant Classification Summary - May 2015. Collection method: clinical testing. Allele origin: germline.
Comment: Variant summary: ALOX12B c.1192C>T (p.His398Tyr) results in a conservative amino acid change located in the Lipoxygenase, C-terminal domain (IPR013819) of the encoded protein sequence. Four of five in-silico tools predict a damaging effect of the variant on protein function. The variant was absent in 250950 control chromosomes. c.1192C>T has been reported in the literature in compound heterozygous or homozygous individuals affected with Lamellar Ichthyosis, as well as heterozygous in one individual with an unknown second allele (e.g. Diociaiuti_2016, Fioretti_2020, Hotz_2021, Hake_2022). These data indicate that the variant is likely to be associated with disease. To our knowledge, no experimental evidence demonstrating an impact on protein function has been reported. The following publications have been ascertained in the context of this evaluation (PMID: 26762237, 33255364, 34908195, 33435499). ClinVar contains an entry for this variant (Variation ID: 995741). Based on the evidence outlined above, the variant was classified as likely pathogenic.

Institute for Human Genetics, University Medical Center Freiburg
Classification: Pathogenic for Autosomal recessive congenital ichthyosis 2. Last evaluated: 2021-01-07. Review status: no assertion criteria provided. Collection method: clinical testing. Allele origin: unknown. Affected: yes. Not counted in ClinVar's aggregate classification.

Literature cited by the submitters: PubMed 38791074 (cited by Dasa); PubMed 33255364 (cited by Dasa and Women's Health and Genetics/Laboratory Corporation of America, LabCorp); PubMed 26762237 (cited by 3 submitters); PubMed 33435499 (cited by Dasa and Women's Health and Genetics/Laboratory Corporation of America, LabCorp); PubMed 34908195 (cited by Dasa and Women's Health and Genetics/Laboratory Corporation of America, LabCorp).